The following is an entry in ClinVar:

NM_000138.5(FBN1):c.613A>G (p.Thr205Ala)

Gene: FBN1 (fibrillin 1; minus strand). Cytogenetic location: 15q21.1.
Variant type: single nucleotide variant.
Coding change: c.613A>G on transcript NM_000138.5 (MANE Select); coding-DNA position 613, A replaced by G.
Protein change: p.Thr205Ala; replaces threonine 205 with alanine.
Molecular consequence: missense variant.
Genome position (GRCh38, 1-based): chr15:48,537,734, T>C on the plus strand (A>G on the coding strand, the complement: FBN1 is on the minus strand). VCF-style: chr15-48537734-T-C. GRCh37 (hg19) VCF-style: chr15-48829931-T-C.
Other names: c.613A>G, p.Thr205Ala (NM_001406716.1, NM_001406717.1); short protein forms T205A.
Identifiers: ClinVar variation 4756806 (VCV004756806.1).

ClinVar aggregate classification (germline): Uncertain significance (1 of 4 stars; one submission).

Conditions:
Familial thoracic aortic aneurysm and aortic dissection (TAAD). Also called: Thoracic aortic aneurysms and dissections. Identifiers: Orphanet 91387, MedGen C4707243, MONDO:0019625.

Submission:

Color Diagnostics, LLC DBA Color Health
Classification: Uncertain significance for Familial thoracic aortic aneurysm and aortic dissection. Last evaluated: 2025-06-03. Review status: criteria provided, single submitter. Criteria: ACMG Guidelines, 2015. Collection method: clinical testing. Allele origin: germline.
Comment: This missense variant replaces threonine with alanine at codon 205 of the FBN1 protein. Computational prediction suggests that this variant may have deleterious impact on protein structure and function. To our knowledge, functional studies have not been reported for this variant. This variant has not been reported in individuals affected with FBN1-related disorders in the literature. This variant has not been identified in the general population by the Genome Aggregation Database (gnomAD). The available evidence is insufficient to determine the role of this variant in disease conclusively. Therefore, this variant is classified as a Variant of Uncertain Significance.